The following is an entry in ClinVar:

NM_006904.7(PRKDC):c.4078AAG[1] (p.Lys1361del)

Gene: PRKDC (protein kinase, DNA-activated, catalytic subunit; minus strand). Cytogenetic location: 8q11.21.
Variant type: Microsatellite.
Coding change: c.4078AAG[1] on transcript NM_006904.7 (MANE Select); one copy of the 3-base unit AAG starting at c.4078; the reference has two copies in a row; one copy, 3 bases deleted.
Protein change: p.Lys1361del; deletes lysine 1361.
Molecular consequence: inframe deletion.
Genome position (GRCh38, 1-based): chr8:47,889,211-47,889,213, CTT deleted on the plus strand (AAG on the coding strand, the reverse complement: PRKDC is on the minus strand); deleting any 3 consecutive bases within chr8:47,889,211-47,889,217 gives the same sequence; the position shown is the placement nearest the transcript's 3' end. VCF-style (leftmost placement, unchanged base first): chr8-47889210-CCTT-C. GRCh37 (hg19) VCF-style: chr8-48801771-CCTT-C.
Other names: c.4081_4083delAAG (NM_006904.6); c.4078AAG[1], p.Lys1361del (NM_001081640.2); short protein forms K1361del.
Identifiers: ClinVar variation 654527 (VCV000654527.8), dbSNP rs760158156, ClinGen allele CA4741009.

ClinVar aggregate classification (germline): Uncertain significance. Review status: criteria provided, multiple submitters, no conflicts (2 of 4 stars). 2 submissions from 2 submitters: Uncertain significance (2). Last evaluated 2024-09-13.

Conditions:
Severe combined immunodeficiency due to DNA-PKcs deficiency. Also called: IMMUNODEFICIENCY 26 WITH NEUROLOGIC ABNORMALITIES; Immunodeficiency 26 with or without neurologic abnormalities. Identifiers: Orphanet 317425, MedGen C4014833, MONDO:0014423, OMIM 615966.

Submissions (2):

Blueprint Genetics
Classification: Uncertain significance. Last evaluated: 2024-09-13. Review status: criteria provided, single submitter. Criteria: ACMG Guidelines, 2015. Collection method: clinical testing. Allele origin: germline.

Labcorp Genetics (formerly Invitae), Labcorp
Classification: Uncertain significance for Severe combined immunodeficiency due to DNA-PKcs deficiency. Last evaluated: 2019-10-31. Review status: criteria provided, single submitter. Criteria: Invitae Variant Classification Sherloc (09022015). Collection method: clinical testing. Allele origin: germline.
Comment: In summary, the available evidence is currently insufficient to determine the role of this variant in disease. Therefore, it has been classified as a Variant of Uncertain Significance. Experimental studies and prediction algorithms are not available for this variant, and the functional significance of the affected amino acid(s) is currently unknown. This variant has not been reported in the literature in individuals with PRKDC-related conditions. The frequency data for this variant in the population databases is considered unreliable, as metrics indicate poor data quality at this position in the ExAC database. This variant, c.4081_4083delAAG, results in the deletion of 1 amino acid(s) of the PRKDC protein (p.Lys1361del), but otherwise preserves the integrity of the reading frame.